The following is an entry in ClinVar:

NM_002968.3(SALL1):c.3729C>T (p.Asn1243=)

Gene: SALL1 (spalt like transcription factor 1; minus strand). Cytogenetic location: 16q12.1.
Variant type: single nucleotide variant.
Coding change: c.3729C>T on transcript NM_002968.3 (MANE Select); coding-DNA position 3729, C replaced by T.
Protein change: p.Asn1243=; no amino-acid change (asparagine 1243 retained).
Molecular consequence: synonymous variant.
Genome position (GRCh38, 1-based): chr16:51,137,358, G>A on the plus strand (C>T on the coding strand, the complement: SALL1 is on the minus strand). VCF-style: chr16-51137358-G-A. GRCh37 (hg19) VCF-style: chr16-51171269-G-A.
Other names: c.3438C>T, p.Asn1146= (NM_001127892.2).
Identifiers: ClinVar variation 1265603 (VCV001265603.15), dbSNP rs148612488, ClinGen allele CA8052842.

ClinVar aggregate classification (germline): Benign/Likely benign. Review status: criteria provided, multiple submitters, no conflicts (2 of 4 stars). 4 submissions from 4 submitters: Benign (1); Likely benign (3). Last evaluated 2025-03-16.

Conditions:
Townes-Brocks syndrome 1 (TBS1). Also called: DEAFNESS, SENSORINEURAL, WITH IMPERFORATE ANUS AND THUMB ANOMALIES; REAR SYNDROME; RENAL-EAR-ANAL-RADIAL SYNDROME; SALL1-Related Townes-Brocks Syndrome. Identifiers: Orphanet 857, MedGen C4551481, MONDO:0054581, OMIM 107480.
Townes syndrome (TBS). Also called: Townes-Brocks syndrome. Identifiers: Orphanet 857, MedGen C0265246, MeSH C536974, MONDO:0007142.

Allele frequency attached by ClinVar (database versions not stated): gnomAD exomes 0.00016 and 0.00030; ExAC 0.00017; TOPMed 0.00017; gnomAD 0.00024; ESP Exome Variant Server 0.00054.
gnomAD v4.1: 485 of 1,614,132 alleles (0.03%); highest among the groups gnomAD compares: Non-Finnish European, 0.037%; no homozygotes.

Submissions (4):

Labcorp Genetics (formerly Invitae), Labcorp
Classification: Likely benign for Townes syndrome. Last evaluated: 2025-03-16. Review status: criteria provided, single submitter. Criteria: Invitae Variant Classification Sherloc (09022015). Collection method: clinical testing. Allele origin: germline.

CeGaT Center for Human Genetics Tuebingen
Classification: Likely benign. Last evaluated: 2025-03-01. Review status: criteria provided, single submitter. Criteria: CeGaT Center For Human Genetics Tuebingen Variant Classification Criteria Version 2. Collection method: clinical testing. Allele origin: germline. Affected: yes. Observed: 1 variant allele.
Comment: SALL1: BP4, BP7

Fulgent Genetics
Classification: Likely benign for Townes-Brocks syndrome 1. Last evaluated: 2022-03-03. Review status: criteria provided, single submitter. Criteria: ACMG Guidelines, 2015. Collection method: clinical testing. Allele origin: unknown.

GeneDx
Classification: Benign. Last evaluated: 2020-10-08. Review status: criteria provided, single submitter. Criteria: GeneDx Variant Classification Process June 2021. Collection method: clinical testing. Allele origin: germline. Affected: yes.